The following is an entry in ClinVar:

NM_000548.5(TSC2):c.1174G>A (p.Glu392Lys)

Gene: TSC2 (TSC complex subunit 2; plus strand). Cytogenetic location: 16p13.3.
Variant type: single nucleotide variant.
Coding change: c.1174G>A on transcript NM_000548.5 (MANE Select); coding-DNA position 1174, G replaced by A.
Protein change: p.Glu392Lys; replaces glutamic acid 392 with lysine.
Molecular consequence: missense variant.
Genome position (GRCh38, 1-based): chr16:2,061,925, G>A. VCF-style: chr16-2061925-G-A. GRCh37 (hg19) VCF-style: chr16-2111926-G-A.
Other names: c.1063G>A, p.Glu355Lys (NM_001318827.2, NM_001406670.1, NM_001406678.1); c.1174G>A, p.Glu392Lys (NM_001077183.3, NM_001114382.3, NM_001363528.2 and 6 more transcripts); c.1027G>A, p.Glu343Lys (NM_001318829.2, NM_001406675.1, NM_001406676.1 and 1 more transcripts); c.574G>A, p.Glu192Lys (NM_001318831.2, NM_001406680.1, NM_001406682.1 and 6 more transcripts); c.1207G>A, p.Glu403Lys (NM_001318832.2); c.1264G>A, p.Glu422Lys (NM_001406667.1, NM_001406668.1); c.1162G>A, p.Glu388Lys (NM_001406671.1, NM_001406673.1); c.1117G>A, p.Glu373Lys (NM_001406677.1); and 4 more; short protein forms E192K, E343K, E373K, E388K, E355K, E238K, E392K, E422K.
Identifiers: ClinVar variation 1740364 (VCV001740364.2), dbSNP rs2086689181, ClinGen allele CA394320364.

ClinVar aggregate classification (germline): Uncertain significance (1 of 4 stars; one submission).

Conditions:
Hereditary cancer-predisposing syndrome. Also called: Hereditary Cancer Syndrome; Hereditary neoplastic syndrome; Neoplastic Syndromes, Hereditary; Tumor predisposition. Identifiers: Orphanet 140162, MedGen C0027672, MeSH D009386, MONDO:0015356.

Submission:

Ambry Genetics
Classification: Uncertain significance for Hereditary cancer-predisposing syndrome. Last evaluated: 2021-02-02. Review status: criteria provided, single submitter. Criteria: Ambry Variant Classification Scheme 2023. Collection method: clinical testing. Allele origin: germline.
Comment: The p.E392K variant (also known as c.1174G>A), located in coding exon 11 of the TSC2 gene, results from a G to A substitution at nucleotide position 1174. The glutamic acid at codon 392 is replaced by lysine, an amino acid with similar properties. This amino acid position is highly conserved in available vertebrate species. In addition, this alteration is predicted to be deleterious by in silico analysis. Since supporting evidence is limited at this time, the clinical significance of this alteration remains unclear.